The following is an entry in ClinVar:

NM_020987.5(ANK3):c.4257G>A (p.Lys1419=)

Gene: ANK3 (ankyrin 3; minus strand). Cytogenetic location: 10q21.2.
Variant type: single nucleotide variant.
Coding change: c.4257G>A on transcript NM_020987.5 (MANE Select); coding-DNA position 4257, G replaced by A.
Protein change: p.Lys1419=; no amino-acid change (lysine 1419 retained).
Molecular consequence: synonymous variant.
Genome position (GRCh38, 1-based): chr10:60,082,681, C>T on the plus strand (G>A on the coding strand, the complement: ANK3 is on the minus strand). VCF-style: chr10-60082681-C-T. GRCh37 (hg19) VCF-style: chr10-61842439-C-T.
Other names: c.1659G>A, p.Lys553= (NM_001149.4); c.4239G>A, p.Lys1413= (NM_001204403.2); c.4260G>A, p.Lys1420= (NM_001204404.2); c.4257G>A, p.Lys1419= (NM_001320874.2).
Identifiers: ClinVar variation 3053386 (VCV003053386.2), dbSNP rs200259898, ClinGen allele CA469841217.

ClinVar aggregate classification (germline): Likely benign (0 of 4 stars; one submission).

Conditions:
ANK3-related disorder. Also called: ANK3-related condition.

gnomAD v4.1: 8 of 1,614,038 alleles (0.0005%); highest among the groups gnomAD compares: Non-Finnish European, 0.00059%; no homozygotes.

Submission:

PreventionGenetics, part of Exact Sciences
Classification: Likely benign for ANK3-related condition. Last evaluated: 2019-09-05. Review status: no assertion criteria provided. Collection method: clinical testing. Allele origin: germline.
Comment: This variant is classified as likely benign based on ACMG/AMP sequence variant interpretation guidelines (Richards et al. 2015 PMID: 25741868, with internal and published modifications).